The following is an entry in ClinVar:

NM_001040142.2(SCN2A):c.824G>A (p.Arg275Gln)

Gene: SCN2A (sodium voltage-gated channel alpha subunit 2; plus strand). Cytogenetic location: 2q24.3.
Variant type: single nucleotide variant.
Coding change: c.824G>A on transcript NM_001040142.2 (MANE Select); coding-DNA position 824, G replaced by A.
Protein change: p.Arg275Gln; replaces arginine 275 with glutamine.
Molecular consequence: missense variant.
Genome position (GRCh38, 1-based): chr2:165,310,449, G>A. VCF-style: chr2-165310449-G-A. GRCh37 (hg19) VCF-style: chr2-166166959-G-A.
Other names: c.824G>A, p.Arg275Gln (NM_001040143.2, NM_001371246.1, NM_001371247.1 and 1 more transcripts); c.824G>A (NM_021007.2); short protein forms R275Q.
Identifiers: ClinVar variation 1518769 (VCV001518769.7), dbSNP rs1697366992, ClinGen allele CA349018247.

ClinVar aggregate classification (germline): Uncertain significance. Review status: criteria provided, multiple submitters, no conflicts (2 of 4 stars). 2 submissions from 2 submitters: Uncertain significance (2). Last evaluated 2026-08-31.

Conditions:
Inborn genetic diseases. Identifiers: MedGen C0950123, MeSH D030342.
Seizures, benign familial infantile, 3 (BFIS3). Also called: CONVULSIONS, BENIGN FAMILIAL INFANTILE, 3; Familial neonatal seizures. Identifiers: Orphanet 140927, Orphanet 306, MedGen C1843140, MONDO:0011904, OMIM 607745.
Developmental and epileptic encephalopathy, 11 (DEE11). Also called: Early infantile epileptic encephalopathy 11. Identifiers: Orphanet 1934, MedGen C3150987, MONDO:0013388, OMIM 613721.

Allele frequency attached by ClinVar (database versions not stated): gnomAD exomes below 0.00001.
gnomAD v4.1: 5 of 1,613,610 alleles (0.00031%); highest among the groups gnomAD compares: Non-Finnish European, 0.00034%; no homozygotes.

Submissions (2):

Ambry Genetics
Classification: Uncertain significance for Inborn genetic diseases. Last evaluated: 2026-08-31. Review status: criteria provided, single submitter. Criteria: Ambry Variant Classification Scheme 2023. Collection method: clinical testing. Allele origin: germline.

Labcorp Genetics (formerly Invitae), Labcorp
Classification: Uncertain significance for Seizures, benign familial infantile, 3; Developmental and epileptic encephalopathy, 11. Last evaluated: 2022-06-13. Review status: criteria provided, single submitter. Criteria: Invitae Variant Classification Sherloc (09022015). Collection method: clinical testing. Allele origin: germline.
Comment: In summary, the available evidence is currently insufficient to determine the role of this variant in disease. Therefore, it has been classified as a Variant of Uncertain Significance. Algorithms developed to predict the effect of missense changes on protein structure and function are either unavailable or do not agree on the potential impact of this missense change (SIFT: "Deleterious"; PolyPhen-2: "Possibly Damaging"; Align-GVGD: "Class C0"). This variant has not been reported in the literature in individuals affected with SCN2A-related conditions. This variant is not present in population databases (gnomAD no frequency). This sequence change replaces arginine, which is basic and polar, with glutamine, which is neutral and polar, at codon 275 of the SCN2A protein (p.Arg275Gln).